The following is an entry in ClinVar:

ClinVar aggregate classification (germline): Likely benign (0 of 4 stars; one submission).

Conditions:
PTPRU-related disorder. Also called: PTPRU-related condition.

Allele frequency attached by ClinVar (database versions not stated): gnomAD exomes 0.00018; ExAC 0.00050; 1000 Genomes Project 0.00080; 1000 Genomes Project 30x 0.00109; gnomAD 0.00200; TOPMed 0.00221; ESP Exome Variant Server 0.00261.
gnomAD v4.1: 562 of 1,613,932 alleles (0.035%); highest among the groups gnomAD compares: African/African-American, 0.71%; 2 homozygotes.

Submission:

PreventionGenetics, part of Exact Sciences
Classification: Likely benign for PTPRU-related condition. Last evaluated: 2019-08-12. Review status: no assertion criteria provided. Collection method: clinical testing. Allele origin: germline.
Comment: This variant is classified as likely benign based on ACMG/AMP sequence variant interpretation guidelines (Richards et al. 2015 PMID: 25741868, with internal and published modifications).

NM_133178.4(PTPRU):c.3504A>G (p.Glu1168=)

Gene: PTPRU (protein tyrosine phosphatase receptor type U; plus strand). Cytogenetic location: 1p35.3.
Variant type: single nucleotide variant.
Coding change: c.3504A>G on transcript NM_133178.4 (MANE Select); coding-DNA position 3504, A replaced by G.
Protein change: p.Glu1168=; no amino-acid change (glutamic acid 1168 retained).
Molecular consequence: synonymous variant.
Genome position (GRCh38, 1-based): chr1:29,316,142, A>G. VCF-style: chr1-29316142-A-G. GRCh37 (hg19) VCF-style: chr1-29642654-A-G.
Other names: c.3495A>G, p.Glu1165= (NM_001195001.2); c.3534A>G, p.Glu1178= (NM_005704.5); c.3522A>G, p.Glu1174= (NM_133177.4).
Identifiers: ClinVar variation 3035218 (VCV003035218.2), dbSNP rs150485708, ClinGen allele CA727131.